The following is an entry in ClinVar:

NM_000463.3(UGT1A1):c.516G>T (p.Leu172Phe)

Genes: UGT1A (UDP glucuronosyltransferase family 1 member A complex locus; plus strand), UGT1A1 (UDP glucuronosyltransferase family 1 member A1; plus strand), UGT1A10 (UDP glucuronosyltransferase family 1 member A10; plus strand), UGT1A3 (UDP glucuronosyltransferase family 1 member A3; plus strand), UGT1A4 (UDP glucuronosyltransferase family 1 member A4; plus strand) and 5 more. Cytogenetic location: 2q37.1.
Variant type: single nucleotide variant.
Coding change: c.516G>T on transcript NM_000463.3 (MANE Select); coding-DNA position 516, G replaced by T.
Protein change: p.Leu172Phe; replaces leucine 172 with phenylalanine.
Molecular consequence: missense variant. On other transcripts: intron variant (9).
Genome position (GRCh38, 1-based): chr2:233,760,803, G>T. VCF-style: chr2-233760803-G-T. GRCh37 (hg19) VCF-style: chr2-234669449-G-T.
Other names: p.Leu172Phe; c.856-6231G>T (NM_019076.5, NM_019075.4, NM_021027.3 and 1 more transcripts); c.61-6231G>T (NM_205862.3); c.862-6231G>T (NM_001072.4); c.868-6231G>T (NM_019078.2, NM_007120.3, NM_019093.4); short protein forms L172F.
Identifiers: ClinVar variation 2682821 (VCV002682821.3), dbSNP rs748734877, ClinGen allele CA2179837.
Genomic context (GRCh38, chr2:233,760,803, plus strand): 5'-TTTCCTTCCTTGCAGCCCCATCGTGGCCCAGTACCTGTCTCTGCCCACTGTATTCTTCTT[G>T]CATGCACTGCCATGCAGCCTGGAATTTGAGGCTACCCAGTGCCCCAACCCATTCTCCTAC-3'
Protein context (NP_000454.1, residues 162-182): QYLSLPTVFF[Leu172Phe]HALPCSLEFE

ClinVar aggregate classification (germline): Uncertain significance. Review status: criteria provided, multiple submitters, no conflicts (2 of 4 stars). 3 submissions from 3 submitters: Uncertain significance (3). Last evaluated 2026-08-18.

Conditions:
Inborn genetic diseases. Identifiers: MedGen C0950123, MeSH D030342.
UGT1A1-related disorder. Also called: UGT1A1-related disorders; UGT1A1-related condition.

Allele frequency attached by ClinVar (database versions not stated): gnomAD exomes below 0.00001; ExAC 0.00001; gnomAD 0.00001; TOPMed 0.00002.
gnomAD v4.1: 4 of 1,613,224 alleles (0.00025%); highest among the groups gnomAD compares: Admixed American, 0.0033%; no homozygotes.

Submissions (3):

PreventionGenetics, part of Exact Sciences
Classification: Uncertain significance for UGT1A1-related condition. Last evaluated: 2026-08-18. Review status: criteria provided, single submitter. Criteria: ACMG Guidelines, 2015. Collection method: clinical testing. Allele origin: germline.
Comment: The UGT1A1 c.516G>T variant is predicted to result in the amino acid substitution p.Leu172Phe. To our knowledge, this variant has not been reported in the literature. This variant is reported in 0.0029% of alleles in individuals of Latino descent in gnomAD. At this time, the clinical significance of this variant is uncertain due to the absence of conclusive functional and genetic evidence.

Ambry Genetics
Classification: Uncertain significance for Inborn genetic diseases. Last evaluated: 2024-02-02. Review status: criteria provided, single submitter. Criteria: Ambry Variant Classification Scheme 2023. Collection method: clinical testing. Allele origin: germline.

Mayo Clinic Laboratories, Mayo Clinic
Classification: Uncertain significance. Last evaluated: 2022-09-29. Review status: criteria provided, single submitter. Criteria: ACMG Guidelines, 2015. Collection method: clinical testing. Allele origin: germline. Observed: 1 variant allele.
Comment: PM2